The following is an entry in ClinVar:

ClinVar aggregate classification (germline): Pathogenic (1 of 4 stars; one submission).

Submission:

GeneDx
Classification: Pathogenic. Last evaluated: 2015-06-05. Review status: criteria provided, single submitter. Criteria: GeneDx Variant Classification (06012015). Collection method: clinical testing. Allele origin: germline. Affected: yes.
Comment: The c.39+2T>C variant in the GLMN gene has not been reported previously as a pathogenic variant nor as a benign polymorphism, to our knowledge. This splice site variant destroys the canonical splice donor site in intron 2. It is predicted to cause abnormal gene splicing, either leading to an abnormal message that is subject to nonsense-mediated mRNA decay, or to an abnormal protein product if the message is used for protein translation. The c.39+2T>C variant was not observed in approximately 6500 individuals of European and African American ancestry in the NHLBI Exome Sequencing Project, indicating it is not a common benign variant in these populations. We interpret c.39+2T>C as a pathogenic variant.

NM_053274.3(GLMN):c.39+2T>C

Gene: GLMN (glomulin, FKBP associated protein; minus strand). Cytogenetic location: 1p22.1.
Variant type: single nucleotide variant.
Coding change: c.39+2T>C on transcript NM_053274.3 (MANE Select); the canonical splice donor site of the intron after coding-DNA position 39, T replaced by C.
Molecular consequence: splice donor variant.
Genome position (GRCh38, 1-based): chr1:92,297,959, A>G on the plus strand (T>C on the coding strand, the complement: GLMN is on the minus strand). VCF-style: chr1-92297959-A-G. GRCh37 (hg19) VCF-style: chr1-92763516-A-G.
Other names: c.39+2T>C (NM_001319683.2).
Identifiers: ClinVar variation 379875 (VCV000379875.2), dbSNP rs1057520767, ClinGen allele CA16603794.